The following is an entry in ClinVar:

ClinVar aggregate classification (germline): Uncertain significance (1 of 4 stars; one submission).

Conditions:
Inborn genetic diseases. Identifiers: MedGen C0950123, MeSH D030342.

Submission:

Ambry Genetics
Classification: Uncertain significance for Inborn genetic diseases. Last evaluated: 2025-11-15. Review status: criteria provided, single submitter. Criteria: Ambry Variant Classification Scheme 2023. Collection method: clinical testing. Allele origin: germline.
Comment: The p.D46G variant (also known as c.137A>G), located in coding exon 1 of the ANKRD26 gene, results from an A to G substitution at nucleotide position 137. The aspartic acid at codon 46 is replaced by glycine, an amino acid with similar properties. This amino acid position is conserved. In addition, this alteration is predicted to be tolerated by in silico analysis. Based on the available evidence, the clinical significance of this variant remains unclear.

NM_014915.3(ANKRD26):c.137A>G (p.Asp46Gly)

Genes: ANKRD26 (ankyrin repeat domain 26; minus strand), LOC130003554 (ATAC-STARR-seq lymphoblastoid silent region 2243; plus strand). Cytogenetic location: 10p12.1.
Variant type: single nucleotide variant.
Coding change: c.137A>G on transcript NM_014915.3 (MANE Select); coding-DNA position 137, A replaced by G.
Protein change: p.Asp46Gly; replaces aspartic acid 46 with glycine.
Molecular consequence: missense variant.
Genome position (GRCh38, 1-based): chr10:27,100,190, T>C on the plus strand (A>G on the coding strand, the complement: ANKRD26 is on the minus strand). VCF-style: chr10-27100190-T-C. GRCh37 (hg19) VCF-style: chr10-27389119-T-C.
Other names: c.137A>G, p.Asp46Gly (NM_001256053.2); short protein forms D46G.
Identifiers: ClinVar variation 4579966 (VCV004579966.1).